The following is an entry in ClinVar:

NM_001378454.1(ALMS1):c.5422C>T (p.His1808Tyr)

Gene: ALMS1 (ALMS1 centrosome and basal body associated protein; plus strand). Cytogenetic location: 2p13.1.
Variant type: single nucleotide variant.
Coding change: c.5422C>T on transcript NM_001378454.1 (MANE Select); coding-DNA position 5422, C replaced by T.
Protein change: p.His1808Tyr; replaces histidine 1808 with tyrosine.
Molecular consequence: missense variant.
Genome position (GRCh38, 1-based): chr2:73,451,949, C>T. VCF-style: chr2-73451949-C-T. GRCh37 (hg19) VCF-style: chr2-73679076-C-T.
Other names: c.5425C>T, p.His1809Tyr (NM_015120.4); short protein forms H1809Y, H1808Y.
Identifiers: ClinVar variation 652783 (VCV000652783.6), dbSNP rs1572936601, ClinGen allele CA347282046.

ClinVar aggregate classification (germline): Uncertain significance. Review status: criteria provided, multiple submitters, no conflicts (2 of 4 stars). 3 submissions from 3 submitters: Uncertain significance (2). 1 of the submissions does not count toward it. Last evaluated 2024-08-20.

Conditions:
Alstrom syndrome (ALMS). Identifiers: Orphanet 64, MedGen C0268425, MONDO:0008763, OMIM 203800.

gnomAD v4.1: 3 of 1,613,242 alleles (0.00019%); highest among the groups gnomAD compares: East Asian, 0.0067%; no homozygotes.

Submissions (3):

GeneDx
Classification: Uncertain significance. Last evaluated: 2024-08-20. Review status: criteria provided, single submitter. Criteria: GeneDx Variant Classification Process June 2021. Collection method: clinical testing. Allele origin: germline. Affected: yes.
Comment: Not observed at significant frequency in large population cohorts (gnomAD); In silico analysis indicates that this missense variant does not alter protein structure/function; Has not been previously published as pathogenic or benign to our knowledge

Labcorp Genetics (formerly Invitae), Labcorp
Classification: Uncertain significance for Alstrom syndrome. Last evaluated: 2018-11-21. Review status: criteria provided, single submitter. Criteria: Invitae Variant Classification Sherloc (09022015). Collection method: clinical testing. Allele origin: germline.
Comment: This sequence change replaces histidine with tyrosine at codon 1809 of the ALMS1 protein (p.His1809Tyr). The histidine residue is moderately conserved and there is a moderate physicochemical difference between histidine and tyrosine. This variant is not present in population databases (ExAC no frequency). This variant has not been reported in the literature in individuals with ALMS1-related disease. Algorithms developed to predict the effect of missense changes on protein structure and function are either unavailable or do not agree on the potential impact of this missense change (SIFT: "Tolerated"; PolyPhen-2: "Not Available"; Align-GVGD: "Class C0"). In summary, the available evidence is currently insufficient to determine the role of this variant in disease. Therefore, it has been classified as a Variant of Uncertain Significance.

Natera, Inc.
Classification: Uncertain significance for Alstrom syndrome. Last evaluated: 2020-09-21. Review status: no assertion criteria provided. Collection method: clinical testing. Allele origin: germline. Not counted in ClinVar's aggregate classification.